The following is an entry in ClinVar:

NM_001114753.3(ENG):c.1375C>T (p.His459Tyr)

Genes: ENG (endoglin; minus strand), LOC102723566 (uncharacterized LOC102723566; plus strand). Cytogenetic location: 9q34.11.
Variant type: single nucleotide variant.
Coding change: c.1375C>T on transcript NM_001114753.3 (MANE Select); coding-DNA position 1375, C replaced by T.
Protein change: p.His459Tyr; replaces histidine 459 with tyrosine.
Molecular consequence: missense variant.
Genome position (GRCh38, 1-based): chr9:127,818,769, G>A on the plus strand (C>T on the coding strand, the complement: ENG is on the minus strand). VCF-style: chr9-127818769-G-A. GRCh37 (hg19) VCF-style: chr9-130581048-G-A.
Other names: c.1375C>T, p.His459Tyr (NM_000118.4); c.829C>T, p.His277Tyr (NM_001278138.2); short protein forms H459Y, H277Y.
Identifiers: ClinVar variation 5035954 (VCV005035954.1).
Genomic context (GRCh38, chr9:127,818,769, plus strand): 5'-CAGGTACCTGCACAAAGCTCTGCTGCCCCGGCTCGATGGTGTTGGAGGCCTGGAGGAAGT[G>A]TGGGCTGAGGTAGAGGCCCAGCTGGAAAGAGAGGCTGTCCATGTTGAGGCAGTGCACCTT-3'
Protein context (NP_001108225.1, residues 449-469): SFQLGLYLSP[His459Tyr]FLQASNTIEP

ClinVar aggregate classification (germline): Uncertain significance (1 of 4 stars; one submission).

Conditions:
Cardiovascular phenotype. Identifiers: MedGen CN230736.

Submission:

Ambry Genetics
Classification: Uncertain significance for Cardiovascular phenotype. Last evaluated: 2026-07-03. Review status: criteria provided, single submitter. Criteria: Ambry Variant Classification Scheme 2023. Collection method: clinical testing. Allele origin: germline.
Comment: The p.H459Y variant (also known as c.1375C>T), located in coding exon 11 of the ENG gene, results from a C to T substitution at nucleotide position 1375. The histidine at codon 459 is replaced by tyrosine, an amino acid with similar properties. This amino acid position is conserved. In addition, this alteration is predicted to be tolerated by in silico analysis. Based on the available evidence, the clinical significance of this variant remains unclear.